The following is an entry in ClinVar:

NM_000218.3(KCNQ1):c.1514+27963C>G

Genes: KCNQ1 (potassium voltage-gated channel subfamily Q member 1; plus strand), KCNQ1OT1 (KCNQ1 opposite strand/antisense transcript 1; minus strand). Cytogenetic location: 11p15.5.
Variant type: single nucleotide variant.
Coding change: c.1514+27963C>G on transcript NM_000218.3 (MANE Select); 27963 bases into the intron after coding-DNA position 1514, C replaced by G.
Molecular consequence: intron variant. On other transcripts: non-coding transcript variant (1).
Genome position (GRCh38, 1-based): chr11:2,690,044, C>G. VCF-style: chr11-2690044-C-G. GRCh37 (hg19) VCF-style: chr11-2711274-C-G.
Other names: c.1244+27963C>G (NM_001406837.1); c.1418+27963C>G (NM_001406836.1); c.974+27963C>G (NM_001406838.1); c.1133+27963C>G (NM_181798.2).
Identifiers: ClinVar variation 3060000 (VCV003060000.2), dbSNP rs2283190, ClinGen allele CA216191732.

ClinVar aggregate classification (germline): Benign (0 of 4 stars; one submission).

Conditions:
KCNQ1-related disorder. Also called: KCNQ1-related condition; KCNQ1-related disorders. Identifiers: MedGen CN239322.

Allele frequency attached by ClinVar (database versions not stated): gnomAD exomes 0.01961; gnomAD 0.03716; TOPMed 0.04097; 1000 Genomes Project 0.06150; 1000 Genomes Project 30x 0.06199.
gnomAD v4.1: 10,502 of 398,966 alleles (2.6%); highest among the groups gnomAD compares: East Asian, 9.5%; 417 homozygotes.

Submission:

PreventionGenetics, part of Exact Sciences
Classification: Benign for KCNQ1-related condition. Last evaluated: 2019-11-26. Review status: no assertion criteria provided. Collection method: clinical testing. Allele origin: germline.
Comment: This variant is classified as benign based on ACMG/AMP sequence variant interpretation guidelines (Richards et al. 2015 PMID: 25741868, with internal and published modifications).